The following is an entry in ClinVar:

NM_001458.5(FLNC):c.5842+6G>A

Genes: FLNC-AS1 (FLNC antisense RNA 1; minus strand), FLNC (filamin C; plus strand). Cytogenetic location: 7q32.1.
Variant type: single nucleotide variant.
Coding change: c.5842+6G>A on transcript NM_001458.5 (MANE Select); 6 bases into the intron after coding-DNA position 5842, G replaced by A.
Molecular consequence: intron variant.
Genome position (GRCh38, 1-based): chr7:128,851,634, G>A. VCF-style: chr7-128851634-G-A. GRCh37 (hg19) VCF-style: chr7-128491688-G-A.
Other names: c.5743+6G>A (NM_001127487.2).
Identifiers: ClinVar variation 942096 (VCV000942096.10), dbSNP rs1010018310, ClinGen allele CA166189140.

ClinVar aggregate classification (germline): Uncertain significance (1 of 4 stars; one submission).

Conditions:
Myofibrillar myopathy 5. Also called: FILAMINOPATHY, AUTOSOMAL DOMINANT; Filaminopathy (type). Identifiers: Orphanet 171445, MedGen C1836050, MONDO:0012289, OMIM 609524.
Distal myopathy with posterior leg and anterior hand involvement. Also called: WILLIAMS DISTAL MYOPATHY. Identifiers: Orphanet 63273, MedGen C3279722, MONDO:0013550, OMIM 614065.
Hypertrophic cardiomyopathy 26. Also called: Cardiomyopathy, familial hypertrophic, 26. Identifiers: Orphanet 75249, MedGen C4310749, MONDO:0014883, OMIM 617047.

Allele frequency attached by ClinVar (database versions not stated): gnomAD exomes below 0.00001 and 0.00001.

Submission:

Labcorp Genetics (formerly Invitae), Labcorp
Classification: Uncertain significance for Distal myopathy with posterior leg and anterior hand involvement; Myofibrillar myopathy 5; Hypertrophic cardiomyopathy 26. Last evaluated: 2024-10-03. Review status: criteria provided, single submitter. Criteria: Invitae Variant Classification Sherloc (09022015). Collection method: clinical testing. Allele origin: germline.
Comment: This sequence change falls in intron 35 of the FLNC gene. It does not directly change the encoded amino acid sequence of the FLNC protein. It affects a nucleotide within the consensus splice site. This variant is present in population databases (no rsID available, gnomAD 0.002%). This variant has not been reported in the literature in individuals affected with FLNC-related conditions. ClinVar contains an entry for this variant (Variation ID: 942096). Variants that disrupt the consensus splice site are a relatively common cause of aberrant splicing (PMID: 17576681, 9536098). Algorithms developed to predict the effect of sequence changes on RNA splicing suggest that this variant is not likely to affect RNA splicing. In summary, the available evidence is currently insufficient to determine the role of this variant in disease. Therefore, it has been classified as a Variant of Uncertain Significance.

Literature cited by the submitters: PubMed 17576681; PubMed 9536098.